The following is an entry in ClinVar:

NM_153240.5(NPHP3):c.1817G>A (p.Trp606Ter)

Genes: NPHP3 (nephrocystin 3; minus strand), NPHP3-ACAD11 (NPHP3-ACAD11 readthrough (NMD candidate); minus strand). Cytogenetic location: 3q22.1.
Variant type: single nucleotide variant.
Coding change: c.1817G>A on transcript NM_153240.5 (MANE Select); coding-DNA position 1817, G replaced by A.
Protein change: p.Trp606Ter; replaces tryptophan 606 with a stop codon.
Molecular consequence: nonsense. On other transcripts: non-coding transcript variant (1).
Genome position (GRCh38, 1-based): chr3:132,699,988, C>T on the plus strand (G>A on the coding strand, the complement: NPHP3 is on the minus strand). VCF-style: chr3-132699988-C-T. GRCh37 (hg19) VCF-style: chr3-132418832-C-T.
Other names: short protein forms W606*.
Identifiers: ClinVar variation 216136 (VCV000216136.16), dbSNP rs182135982, ClinGen allele CA336458.

ClinVar aggregate classification (germline): Pathogenic. Review status: criteria provided, multiple submitters, no conflicts (2 of 4 stars). 4 submissions from 4 submitters: Pathogenic (4). Last evaluated 2024-07-02.

Conditions:
Nephronophthisis. Also called: Juvenile Nephronophthisis. Identifiers: Orphanet 655, MedGen C0687120, MONDO:0019005, HP:0000090.
NPHP3-related Meckel-like syndrome. Also called: Meckel syndrome type 7; GOLDSTON SYNDROME. Identifiers: Orphanet 3032, MedGen C2673885, MONDO:0009966, OMIM 267010.
Renal-hepatic-pancreatic dysplasia 1 (RHPD1). Identifiers: MedGen C3715199, MONDO:0008833, OMIM 208540.
Nephronophthisis 3 (NPHP3). Also called: Adolescent nephronophthisis. Identifiers: Orphanet 655, MedGen C1858392, MONDO:0011456, OMIM 604387.
NPHP3-related disorder. Also called: NPHP3-related disorders; NPHP3-related condition. Identifiers: MedGen CN379163.

Allele frequency attached by ClinVar (database versions not stated): gnomAD 0.00003; TOPMed 0.00006; 1000 Genomes Project 0.00040; 1000 Genomes Project 30x 0.00062.
gnomAD v4.1: 12 of 1,614,044 alleles (0.00074%); highest among the groups gnomAD compares: East Asian, 0.027%; no homozygotes.

Submissions (4):

Blueprint Genetics
Classification: Pathogenic for NPHP3-related disorders. Last evaluated: 2024-07-02. Review status: criteria provided, single submitter. Criteria: ACMG Guidelines, 2015. Collection method: clinical testing. Allele origin: germline. Affected: yes. Observed: 4 variant alleles.

Labcorp Genetics (formerly Invitae), Labcorp
Classification: Pathogenic for Nephronophthisis. Last evaluated: 2023-08-04. Review status: criteria provided, single submitter. Criteria: Invitae Variant Classification Sherloc (09022015). Collection method: clinical testing. Allele origin: germline.
Comment: This sequence change creates a premature translational stop signal (p.Trp606*) in the NPHP3 gene. It is expected to result in an absent or disrupted protein product. Loss-of-function variants in NPHP3 are known to be pathogenic (PMID: 18371931, 23559409). This variant is present in population databases (rs182135982, gnomAD 0.07%). This variant has not been reported in the literature in individuals affected with NPHP3-related conditions. ClinVar contains an entry for this variant (Variation ID: 216136). For these reasons, this variant has been classified as Pathogenic.

Fulgent Genetics
Classification: Pathogenic for Renal-hepatic-pancreatic dysplasia 1; NPHP3-related Meckel-like syndrome; Nephronophthisis 3. Last evaluated: 2018-10-31. Review status: criteria provided, single submitter. Criteria: ACMG Guidelines, 2015. Collection method: clinical testing. Allele origin: unknown.

Juno Genomics, Hangzhou Juno Genomics, Inc
Classification: Pathogenic for NPHP3-related Meckel-like syndrome; Nephronophthisis 3; Renal-hepatic-pancreatic dysplasia 1. Review status: criteria provided, single submitter. Criteria: ACMG Guidelines, 2015. Collection method: clinical testing. Allele origin: germline.
Comment: Absent from controls (or at extremely low frequency if recessive) in Genome Aggregation Database.;Null variant in a gene where loss of function (LOF) is a known mechanism of disease.;For recessive disorders, detected in trans with a pathogenic variant.;Patient's phenotype or family history is highly specific for a disease with a single genetic etiology.

Literature cited by the submitters: PubMed 18371931 (cited by Labcorp Genetics (formerly Invitae), Labcorp); PubMed 23559409 (cited by Labcorp Genetics (formerly Invitae), Labcorp).